The following is an entry in ClinVar:

ClinVar aggregate classification (germline): Uncertain significance. Review status: criteria provided, multiple submitters, no conflicts (2 of 4 stars). 2 submissions from 2 submitters: Uncertain significance (2). Last evaluated 2022-07-22.

Conditions:
Inborn genetic diseases. Identifiers: MedGen C0950123, MeSH D030342.
Cerebral creatine deficiency syndrome. Also called: Creatine deficiency syndromes. Identifiers: Orphanet 79172, MedGen C5244016, MONDO:0000456.

Allele frequency attached by ClinVar (database versions not stated): gnomAD exomes 0.00001 and 0.00002.
gnomAD v4.1: 25 of 1,613,284 alleles (0.0015%); highest among the groups gnomAD compares: Non-Finnish European, 0.0019%; no homozygotes.

Submissions (2):

Labcorp Genetics (formerly Invitae), Labcorp
Classification: Uncertain significance for Cerebral creatine deficiency syndrome. Last evaluated: 2022-07-22. Review status: criteria provided, single submitter. Criteria: Invitae Variant Classification Sherloc (09022015). Collection method: clinical testing. Allele origin: germline.
Comment: This sequence change replaces histidine, which is basic and polar, with leucine, which is neutral and non-polar, at codon 155 of the GAMT protein (p.His155Leu). This variant is present in population databases (no rsID available, gnomAD 0.002%). In summary, the available evidence is currently insufficient to determine the role of this variant in disease. Therefore, it has been classified as a Variant of Uncertain Significance. Algorithms developed to predict the effect of missense changes on protein structure and function are either unavailable or do not agree on the potential impact of this missense change (SIFT: "Deleterious"; PolyPhen-2: "Benign"; Align-GVGD: "Class C0"). ClinVar contains an entry for this variant (Variation ID: 589070). This variant has not been reported in the literature in individuals affected with GAMT-related conditions.

Ambry Genetics
Classification: Uncertain significance for Inborn genetic diseases. Last evaluated: 2017-05-18. Review status: criteria provided, single submitter. Criteria: Ambry Variant Classification Scheme 2023. Collection method: clinical testing. Allele origin: germline.
Comment: The p.H155L variant (also known as c.464A>T), located in coding exon 5 of the GAMT gene, results from an A to T substitution at nucleotide position 464. The histidine at codon 155 is replaced by leucine, an amino acid with similar properties. This amino acid position is well conserved in available vertebrate species. In addition, the in silico prediction for this alteration is inconclusive. Since supporting evidence is limited at this time, the clinical significance of this alteration remains unclear.

NM_000156.6(GAMT):c.464A>T (p.His155Leu)

Gene: GAMT (guanidinoacetate N-methyltransferase; minus strand). Cytogenetic location: 19p13.3.
Variant type: single nucleotide variant.
Coding change: c.464A>T on transcript NM_000156.6 (MANE Select); coding-DNA position 464, A replaced by T.
Protein change: p.His155Leu; replaces histidine 155 with leucine.
Molecular consequence: missense variant.
Genome position (GRCh38, 1-based): chr19:1,399,022, T>A on the plus strand (A>T on the coding strand, the complement: GAMT is on the minus strand). VCF-style: chr19-1399022-T-A. GRCh37 (hg19) VCF-style: chr19-1399021-T-A.
Other names: c.464A>T, p.His155Leu (NM_138924.3); short protein forms H155L.
Identifiers: ClinVar variation 589070 (VCV000589070.10), dbSNP rs1308730662, ClinGen allele CA402994766.